The following is an entry in ClinVar:

ClinVar aggregate classification (germline): Uncertain significance (1 of 4 stars; one submission).

Conditions:
Polyhydramnios, megalencephaly, and symptomatic epilepsy (PMSE). Also called: PMSE SYNDROME. Identifiers: Orphanet 500533, MedGen C1970203, MONDO:0012611, OMIM 611087.

Submission:

Labcorp Genetics (formerly Invitae), Labcorp
Classification: Uncertain significance for Polyhydramnios, megalencephaly, and symptomatic epilepsy. Last evaluated: 2021-06-23. Review status: criteria provided, single submitter. Criteria: Invitae Variant Classification Sherloc (09022015). Collection method: clinical testing. Allele origin: germline.
Comment: This sequence change replaces valine with isoleucine at codon 121 of the STRADA protein (p.Val121Ile). The valine residue is moderately conserved and there is a small physicochemical difference between valine and isoleucine. This variant is not present in population databases (ExAC no frequency). This variant has not been reported in the literature in individuals affected with STRADA-related conditions. Algorithms developed to predict the effect of missense changes on protein structure and function (SIFT, PolyPhen-2, Align-GVGD) all suggest that this variant is likely to be tolerated. In summary, the available evidence is currently insufficient to determine the role of this variant in disease. Therefore, it has been classified as a Variant of Uncertain Significance.

NM_001003787.4(STRADA):c.361G>A (p.Val121Ile)

Gene: STRADA (STE20 related adaptor alpha; minus strand). Cytogenetic location: 17q23.3.
Variant type: single nucleotide variant.
Coding change: c.361G>A on transcript NM_001003787.4 (MANE Select); coding-DNA position 361, G replaced by A.
Protein change: p.Val121Ile; replaces valine 121 with isoleucine.
Molecular consequence: missense variant. On other transcripts: non-coding transcript variant (1).
Genome position (GRCh38, 1-based): chr17:63,710,824, C>T on the plus strand (G>A on the coding strand, the complement: STRADA is on the minus strand). VCF-style: chr17-63710824-C-T. GRCh37 (hg19) VCF-style: chr17-61788184-C-T.
Other names: c.250G>A, p.Val84Ile (NM_001003786.3, NM_001363789.1, NM_153335.6); c.187G>A, p.Val63Ile (NM_001003788.3, NM_001363790.1, NM_001363791.1); c.274G>A, p.Val92Ile (NM_001165969.2, NM_001363787.1); c.229G>A, p.Val77Ile (NM_001165970.2); c.337G>A, p.Val113Ile (NM_001363786.1); c.361G>A, p.Val121Ile (NM_001363788.1); short protein forms V113I, V92I, V121I, V84I, V63I, V77I.
Identifiers: ClinVar variation 1475834 (VCV001475834.8), dbSNP rs201127301, ClinGen allele CA292946197.